The following is an entry in ClinVar:

NM_197968.4(ZMYM2):c.3056T>A (p.Met1019Lys)

Gene: ZMYM2 (zinc finger MYM-type containing 2; plus strand). Cytogenetic location: 13q12.11.
Variant type: single nucleotide variant.
Coding change: c.3056T>A on transcript NM_197968.4 (MANE Select); coding-DNA position 3056, T replaced by A.
Protein change: p.Met1019Lys; replaces methionine 1019 with lysine.
Molecular consequence: missense variant. On other transcripts: non-coding transcript variant (1).
Genome position (GRCh38, 1-based): chr13:20,064,469, T>A. VCF-style: chr13-20064469-T-A. GRCh37 (hg19) VCF-style: chr13-20638609-T-A.
Other names: c.3056T>A, p.Met1019Lys (NM_001353159.2, NM_001353162.3, NM_001353164.2 and 5 more transcripts); c.2861T>A, p.Met954Lys (NM_001353161.3); c.2795T>A, p.Met932Lys (NM_001353163.2); short protein forms M1019K, M932K, M954K.
Identifiers: ClinVar variation 4682024 (VCV004682024.5).

ClinVar aggregate classification (germline): Uncertain significance (1 of 4 stars; one submission).

Submission:

CeGaT Center for Human Genetics Tuebingen
Classification: Uncertain significance. Last evaluated: 2025-12-01. Review status: criteria provided, single submitter. Criteria: CeGaT Center For Human Genetics Tuebingen Variant Classification Criteria Version 2. Collection method: clinical testing. Allele origin: germline. Affected: yes. Observed: 1 variant allele.
Comment: ZMYM2: PM2